The following is an entry in ClinVar:

ClinVar aggregate classification (germline): Uncertain significance. Review status: criteria provided, multiple submitters, no conflicts (2 of 4 stars). 9 submissions from 9 submitters: Uncertain significance (4). 5 of the submissions do not count toward it. Last evaluated 2025-03-20.

Conditions:
Hereditary cancer-predisposing syndrome. Also called: Neoplastic Syndromes, Hereditary; Tumor predisposition; Hereditary Cancer Syndrome; Hereditary neoplastic syndrome. Identifiers: Orphanet 140162, MedGen C0027672, MeSH D009386, MONDO:0015356.
Familial cancer of breast. Also called: BREAST CANCER, FAMILIAL; hereditary breast carcinoma; Hereditary breast cancer. Identifiers: Orphanet 227535, MedGen C0346153, MONDO:0016419, OMIM 114480. Disease mechanism: loss of function.

Allele frequency attached by ClinVar (database versions not stated): gnomAD 0.00001; gnomAD exomes 0.00001.
gnomAD v4.1: 5 of 1,614,032 alleles (0.00031%); highest among the groups gnomAD compares: Non-Finnish European, 0.00042%; no homozygotes.

Submissions (9):

Labcorp Genetics (formerly Invitae), Labcorp
Classification: Uncertain significance for Familial cancer of breast. Last evaluated: 2025-03-20. Review status: criteria provided, single submitter. Criteria: Invitae Variant Classification Sherloc (09022015). Collection method: clinical testing. Allele origin: germline.
Comment: This sequence change replaces phenylalanine, which is neutral and non-polar, with leucine, which is neutral and non-polar, at codon 169 of the CHEK2 protein (p.Phe169Leu). This variant is present in population databases (no rsID available, gnomAD 0.002%). This variant has not been reported in the literature in individuals affected with CHEK2-related conditions. ClinVar contains an entry for this variant (Variation ID: 231571). An algorithm developed to predict the effect of missense changes on protein structure and function (PolyPhen-2) suggests that this variant is likely to be disruptive. Experimental studies have shown that this missense change affects CHEK2 function (PMID: 34903604). In summary, the available evidence is currently insufficient to determine the role of this variant in disease. Therefore, it has been classified as a Variant of Uncertain Significance.

Ambry Genetics
Classification: Uncertain significance for Hereditary cancer-predisposing syndrome. Last evaluated: 2024-02-22. Review status: criteria provided, single submitter. Criteria: Ambry Variant Classification Scheme 2023. Collection method: clinical testing. Allele origin: germline.
Comment: The p.F169L variant (also known as c.507T>G), located in coding exon 3 of the CHEK2 gene, results from a T to G substitution at nucleotide position 507. The phenylalanine at codon 169 is replaced by leucine, an amino acid with highly similar properties. This alteration was reported as damaging in an mES cell-based assay of CHEK2 activity (Boonen RACM et al. Cancer Res, 2022 Feb;82:615-631). This amino acid position is highly conserved in available vertebrate species. In addition, the in silico prediction for this alteration is inconclusive. Based on the available evidence, the clinical significance of this alteration remains unclear.

Institute for Clinical Genetics, University Hospital TU Dresden, University Hospital TU Dresden
Classification: Uncertain significance. Last evaluated: 2021-11-03. Review status: criteria provided, single submitter. Criteria: ACMG Guidelines, 2015. Collection method: clinical testing. Allele origin: germline.

Color Diagnostics, LLC DBA Color Health
Classification: Uncertain significance for Hereditary cancer-predisposing syndrome. Last evaluated: 2020-11-17. Review status: criteria provided, single submitter. Criteria: ACMG Guidelines, 2015. Collection method: clinical testing. Allele origin: germline.
Comment: This missense variant replaces phenylalanine with leucine at codon 169 of the CHEK2 protein. Computational prediction suggests that this variant may have deleterious impact on protein structure and function (internally defined REVEL score threshold >= 0.7, PMID: 27666373). To our knowledge, functional studies have not been reported for this variant. This variant has not been reported in individuals affected with hereditary cancer in the literature. This variant has been identified in 2/251418 chromosomes in the general population by the Genome Aggregation Database (gnomAD). The available evidence is insufficient to determine the role of this variant in disease conclusively. Therefore, this variant is classified as a Variant of Uncertain Significance.

Clinical Genetics DNA and cytogenetics Diagnostics Lab, Erasmus MC, Erasmus Medical Center
Classification: Uncertain significance. Review status: no assertion criteria provided. Collection method: clinical testing. Allele origin: germline. Affected: yes. Study: VKGL Data-share Consensus. Not counted in ClinVar's aggregate classification.

Clinical Genetics Laboratory, Department of Pathology, Netherlands Cancer Institute
Classification: Uncertain significance. Review status: no assertion criteria provided. Collection method: clinical testing. Allele origin: germline. Affected: yes. Study: VKGL Data-share Consensus. Not counted in ClinVar's aggregate classification.

Diagnostic Laboratory, Department of Genetics, University Medical Center Groningen
Classification: Uncertain significance. Review status: no assertion criteria provided. Collection method: clinical testing. Allele origin: germline. Affected: yes. Study: VKGL Data-share Consensus. Not counted in ClinVar's aggregate classification.

Genome Diagnostics Laboratory, Amsterdam University Medical Center
Classification: Uncertain significance. Review status: no assertion criteria provided. Collection method: clinical testing. Allele origin: germline. Affected: yes. Study: VKGL Data-share Consensus. Not counted in ClinVar's aggregate classification.

Joint Genome Diagnostic Labs from Nijmegen and Maastricht, Radboudumc and MUMC+
Classification: Uncertain significance. Review status: no assertion criteria provided. Collection method: clinical testing. Allele origin: germline. Affected: yes. Study: VKGL Data-share Consensus. Not counted in ClinVar's aggregate classification.

Literature cited by the submitters: PubMed 34903604 (cited by Labcorp Genetics (formerly Invitae), Labcorp and Ambry Genetics); PubMed 37449874 (cited by Ambry Genetics).

NM_007194.4(CHEK2):c.507T>G (p.Phe169Leu)

Gene: CHEK2 (checkpoint kinase 2; minus strand). Cytogenetic location: 22q12.1.
Variant type: single nucleotide variant.
Coding change: c.507T>G on transcript NM_007194.4 (MANE Select); coding-DNA position 507, T replaced by G.
Protein change: p.Phe169Leu; replaces phenylalanine 169 with leucine.
Molecular consequence: missense variant. On other transcripts: 5 prime UTR variant (2), intron variant (1).
Genome position (GRCh38, 1-based): chr22:28,725,062, A>C on the plus strand (T>G on the coding strand, the complement: CHEK2 is on the minus strand). VCF-style: chr22-28725062-A-C. GRCh37 (hg19) VCF-style: chr22-29121050-A-C.
Other names: c.636T>G, p.Phe212Leu (NM_001005735.3, NM_001438294.1); c.-271T>G (NM_001257387.3); c.-157T>G (NM_001437942.1); c.600T>G, p.Phe200Leu (NM_001438293.1, NM_001438295.1); c.507T>G, p.Phe169Leu (NM_145862.3); c.445-139T>G (NM_001349956.3); short protein forms F169L, F212L, F200L.
Identifiers: ClinVar variation 231571 (VCV000231571.23), dbSNP rs876659233, ClinGen allele CA10581090.